The following is an entry in ClinVar:

NM_206933.4(USH2A):c.7130A>G (p.Asn2377Ser)

Gene: USH2A (usherin; minus strand). Cytogenetic location: 1q41.
Variant type: single nucleotide variant.
Coding change: c.7130A>G on transcript NM_206933.4 (MANE Select); coding-DNA position 7130, A replaced by G.
Protein change: p.Asn2377Ser; replaces asparagine 2377 with serine.
Molecular consequence: missense variant.
Genome position (GRCh38, 1-based): chr1:215,934,786, T>C on the plus strand (A>G on the coding strand, the complement: USH2A is on the minus strand). VCF-style: chr1-215934786-T-C. GRCh37 (hg19) VCF-style: chr1-216108128-T-C.
Other names: short protein forms N2377S.
Identifiers: ClinVar variation 48577 (VCV000048577.71), dbSNP rs111033394, ClinGen allele CA143587.
Genomic context (GRCh38, chr1:215,934,786, plus strand): 5'-ACCCAAAGGTTTGTCTCTTCTCCGCTGTACATGACTTTTGTGACATTCAGAAGGGTGTAG[T>C]TATTACCTACTGATTAAAAAAGAAAATTATTAAAATAAATACATATTTAAGAATTCATTC-3'
Protein context (NP_996816.3, residues 2367-2387): GIFYVDPVGN[Asn2377Ser]YTLLNVTKVM

ClinVar aggregate classification (germline): Benign/Likely benign. Review status: criteria provided, multiple submitters, no conflicts (2 of 4 stars). 12 submissions from 11 submitters: Benign (6); Likely benign (4). 2 of the submissions do not count toward it. Last evaluated 2026-03-01.

Conditions:
Retinitis pigmentosa 39 (RP39). Identifiers: Orphanet 791, MedGen C3151138, MONDO:0013436, OMIM 613809.
Usher syndrome type 2A. Also called: USHER SYNDROME, TYPE IIA; RETINAL DISEASE IN USHER SYNDROME TYPE IIA, MODIFIER OF. Identifiers: Orphanet 231178, Orphanet 886, MedGen C1848634, MONDO:0010169, OMIM 276901.

Allele frequency attached by ClinVar (database versions not stated): gnomAD exomes 0.00423 and 0.00392; 1000 Genomes Project 30x 0.00297; 1000 Genomes Project 0.00300; ESP Exome Variant Server 0.00377; gnomAD 0.00378 and 0.00384; TOPMed 0.00327; ExAC 0.00377.
gnomAD v4.1: 6,805 of 1,610,458 alleles (0.42%); highest among the groups gnomAD compares: Admixed American, 0.5%; 28 homozygotes.

Submissions (12):

CeGaT Center for Human Genetics Tuebingen
Classification: Likely benign. Last evaluated: 2026-03-01. Review status: criteria provided, single submitter. Criteria: CeGaT Center For Human Genetics Tuebingen Variant Classification Criteria Version 2. Collection method: clinical testing. Allele origin: germline. Affected: yes. Observed: 12 variant alleles.
Comment: USH2A: BP4, BS2

Labcorp Genetics (formerly Invitae), Labcorp
Classification: Benign. Last evaluated: 2026-02-02. Review status: criteria provided, single submitter. Criteria: Invitae Variant Classification Sherloc (09022015). Collection method: clinical testing. Allele origin: germline.

Genome-Nilou Lab
Classification: Likely benign for Retinitis pigmentosa 39. Last evaluated: 2023-11-04. Review status: criteria provided, single submitter. Criteria: ACMG Guidelines, 2015. Collection method: clinical testing. Allele origin: germline. Affected: no.

Genome-Nilou Lab
Classification: Likely benign for Usher syndrome type 2A. Last evaluated: 2023-11-04. Review status: criteria provided, single submitter. Criteria: ACMG Guidelines, 2015. Collection method: clinical testing. Allele origin: germline. Affected: no.

Women's Health and Genetics/Laboratory Corporation of America, LabCorp
Classification: Benign. Last evaluated: 2022-03-05. Review status: criteria provided, single submitter. Criteria: LabCorp Variant Classification Summary - May 2015. Collection method: clinical testing. Allele origin: germline.
Comment: Variant summary: USH2A c.7130A>G (p.Asn2377Ser) results in a conservative amino acid change in the encoded protein sequence. Four of five in-silico tools predict a benign effect of the variant on protein function. The variant allele was found at a frequency of 0.0039 in 250098 control chromosomes in the gnomAD database, including 8 homozygotes. This frequency is not significantly higher than estimated for a pathogenic variant in USH2A causing Usher Syndrome (0.0039 vs 0.011), allowing no conclusion about variant significance. Although reported in the literature, to our knowledge, no penetrant association of c.7130A>G in individuals affected with Usher Syndrome and no experimental evidence demonstrating its impact on protein function have been reported. Six clinical diagnostic laboratories have submitted clinical-significance assessments for this variant to ClinVar after 2014 without evidence for independent evaluation. All laboratories classified the variant as benign/likely benign. Based on the evidence outlined above, the variant was classified as benign.

ARUP Laboratories, Molecular Genetics and Genomics, ARUP Laboratories
Classification: Benign. Last evaluated: 2021-08-20. Review status: criteria provided, single submitter. Criteria: ARUP Molecular Germline Variant Investigation Process 2021. Collection method: clinical testing. Allele origin: germline.

GeneDx
Classification: Benign. Last evaluated: 2018-06-12. Review status: criteria provided, single submitter. Criteria: GeneDx Variant Classification Process June 2021. Collection method: clinical testing. Allele origin: germline. Affected: yes.
Comment: This variant is associated with the following publications: (PMID: 25910913, 26927203, 22004887)

Eurofins Ntd Llc (ga)
Classification: Benign. Last evaluated: 2014-12-19. Review status: criteria provided, single submitter. Criteria: EGL Classification Definitions 2015. Collection method: clinical testing. Allele origin: germline. Observed: 2 variant alleles, 2 heterozygotes.

Laboratory for Molecular Medicine, Mass General Brigham Personalized Medicine
Classification: Benign. Last evaluated: 2012-04-27. Review status: criteria provided, single submitter. Criteria: LMM Criteria. Collection method: clinical testing. Allele origin: germline. Observed: 14 variant alleles.
Comment: Asn2377Ser in exon 38 of USH2A: This variant is not expected to have clinical si gnificance because it has been identified in 0.5% (35/7016) of European American chromosomes and 0.1% (7/3738) of African American chromosomes in a broad popula tion by the NHLBI Exome sequencing project (d bSNP rs111033394).

Breakthrough Genomics
Classification: Likely benign. Review status: criteria provided, single submitter. Criteria: ACMG Guidelines, 2015. Collection method: not provided. Allele origin: germline. Inheritance: Autosomal recessive inheritance. Affected: yes.

Natera, Inc.
Classification: Likely benign for Usher syndrome type 2A. Last evaluated: 2020-06-12. Review status: no assertion criteria provided. Collection method: clinical testing. Allele origin: germline. Not counted in ClinVar's aggregate classification.

Counsyl
Classification: Likely benign for Usher syndrome type 2A; Retinitis pigmentosa 39. Last evaluated: 2016-12-28. Review status: no assertion criteria provided. Collection method: clinical testing. Allele origin: unknown. Not counted in ClinVar's aggregate classification.

Literature cited by the submitters: PubMed 25910913 (cited by Counsyl); PubMed 22004887 (cited by Counsyl).